The following is an entry in ClinVar:

NM_006254.4(PRKCD):c.315+32_315+33insCGTG

Gene: PRKCD (protein kinase C delta; plus strand). Cytogenetic location: 3p21.1.
Variant type: Insertion.
Coding change: c.315+32_315+33insCGTG on transcript NM_006254.4 (MANE Select); bases 32 to 33 of the intron after coding-DNA position 315, CGTG inserted.
Molecular consequence: intron variant.
Genome position: GRCh38 VCF-style: chr3-53179805-T-TGTGC. GRCh37 (hg19) VCF-style: chr3-53213821-T-TGTGC.
Other names: c.315+32_315+33insCGTG (NM_001354680.2, NM_001354679.2, NM_212539.2 and 1 more transcripts); c.372+32_372+33insCGTG (NM_001354676.2); c.363+32_363+33insCGTG (NM_001354678.2).
Identifiers: ClinVar variation 2628292 (VCV002628292.2), dbSNP rs2107257773, ClinGen allele CA2695197922.
Genomic context (GRCh38, chr3:53,179,805, plus strand): 5'-GCAAGAAGAACAATGGCAAGGCTGAGTTCTGGGTAAGGGGCGCACGAGCCGTGCCGTGTG[T>TGTGC]GTGTGTGTGTGTGTCTGTGTGTGTGTGCATGCGTGCATGTGTGTGCGTGCACACACGCGG-3'

ClinVar aggregate classification (germline): Benign (1 of 4 stars; one submission).

Submission:

Unidad de Genómica Garrahan, Hospital de Pediatría Garrahan
Classification: Benign. Last evaluated: 2023-11-12. Review status: criteria provided, single submitter. Criteria: ACMG Guidelines, 2015. Collection method: clinical testing. Allele origin: germline. Affected: no. Observed: 21 variant alleles.
Comment: This variant is classified as Benign based on local population frequency. This variant was detected in 22% of patients studied by a panel of primary immunodeficiencies. Number of patients: 21. Only high quality variants are reported.